The following is an entry in ClinVar:

NM_004994.3(MMP9):c.1174+5G>A

Gene: MMP9 (matrix metallopeptidase 9; plus strand). Cytogenetic location: 20q13.12.
Variant type: single nucleotide variant.
Coding change: c.1174+5G>A on transcript NM_004994.3 (MANE Select); 5 bases into the intron after coding-DNA position 1174, G replaced by A.
Molecular consequence: intron variant.
Genome position (GRCh38, 1-based): chr20:46,012,318, G>A. VCF-style: chr20-46012318-G-A. GRCh37 (hg19) VCF-style: chr20-44640957-G-A.
Identifiers: ClinVar variation 2758346 (VCV002758346.3), dbSNP rs2515613850, ClinGen allele CA2697547416.

ClinVar aggregate classification (germline): Uncertain significance (1 of 4 stars; one submission).

Submission:

Labcorp Genetics (formerly Invitae), Labcorp
Classification: Uncertain significance. Last evaluated: 2023-12-16. Review status: criteria provided, single submitter. Criteria: Invitae Variant Classification Sherloc (09022015). Collection method: clinical testing. Allele origin: germline.
Comment: This sequence change falls in intron 7 of the MMP9 gene. It does not directly change the encoded amino acid sequence of the MMP9 protein. It affects a nucleotide within the consensus splice site. This variant is not present in population databases (gnomAD no frequency). This variant has not been reported in the literature in individuals affected with MMP9-related conditions. Variants that disrupt the consensus splice site are a relatively common cause of aberrant splicing (PMID: 17576681, 9536098). Algorithms developed to predict the effect of sequence changes on RNA splicing suggest that this variant is not likely to affect RNA splicing. In summary, the available evidence is currently insufficient to determine the role of this variant in disease. Therefore, it has been classified as a Variant of Uncertain Significance.

Literature cited by the submitters: PubMed 17576681; PubMed 9536098.